The following is an entry in ClinVar:

ClinVar aggregate classification (germline): Uncertain significance (1 of 4 stars; one submission).

Conditions:
Infantile-onset X-linked spinal muscular atrophy. Also called: AMC, DISTAL, X-LINKED; Spinal Muscular Atrophy, X-Linked Infantile; ARTHROGRYPOSIS, X-LINKED, TYPE I; Spinal muscular atrophy, X-linked 2; SPINAL MUSCULAR ATROPHY, X-LINKED LETHAL INFANTILE. Identifiers: Orphanet 1145, MedGen C1844934, MONDO:0010532, OMIM 301830.

Allele frequency attached by ClinVar (database versions not stated): gnomAD 0.00001; gnomAD exomes 0.00002.

Submission:

Labcorp Genetics (formerly Invitae), Labcorp
Classification: Uncertain significance for Infantile-onset X-linked spinal muscular atrophy. Last evaluated: 2026-01-27. Review status: criteria provided, single submitter. Criteria: Invitae Variant Classification Sherloc (09022015). Collection method: clinical testing. Allele origin: germline.
Comment: This sequence change replaces lysine, which is basic and polar, with asparagine, which is neutral and polar, at codon 18 of the UBA1 protein (p.Lys18Asn). This variant is present in population databases (no rsID available, gnomAD 0.004%), including at least one homozygous and/or hemizygous individual. This variant has not been reported in the literature in individuals affected with UBA1-related conditions. ClinVar contains an entry for this variant (Variation ID: 2080284). An algorithm developed to predict the effect of missense changes on protein structure and function (PolyPhen-2) suggests that this variant is likely to be tolerated. In summary, the available evidence is currently insufficient to determine the role of this variant in disease. Therefore, it has been classified as a Variant of Uncertain Significance.

NM_003334.4(UBA1):c.54G>T (p.Lys18Asn)

Genes: UBA1 (ubiquitin like modifier activating enzyme 1; plus strand), LOC126863253 (CDK7 strongly-dependent group 2 enhancer GRCh37_chrX:47057593-47058792; plus strand). Cytogenetic location: Xp11.3.
Variant type: single nucleotide variant.
Coding change: c.54G>T on transcript NM_003334.4 (MANE Select); coding-DNA position 54, G replaced by T.
Protein change: p.Lys18Asn; replaces lysine 18 with asparagine.
Molecular consequence: missense variant.
Genome position (GRCh38, 1-based): chrX:47,198,856, G>T. VCF-style: chrX-47198856-G-T. GRCh37 (hg19) VCF-style: chrX-47058255-G-T.
Other names: c.54G>T, p.Lys18Asn (NM_153280.3); short protein forms K18N.
Identifiers: ClinVar variation 2080284 (VCV002080284.4), dbSNP rs1210505561, ClinGen allele CA412786274.